The following is an entry in ClinVar:

NM_000245.4(MET):c.3251T>C (p.Ile1084Thr)

Gene: MET (MET proto-oncogene, receptor tyrosine kinase; plus strand). Cytogenetic location: 7q31.2.
Variant type: single nucleotide variant.
Coding change: c.3251T>C on transcript NM_000245.4 (MANE Select); coding-DNA position 3251, T replaced by C.
Protein change: p.Ile1084Thr; replaces isoleucine 1084 with threonine.
Molecular consequence: missense variant.
Genome position (GRCh38, 1-based): chr7:116,775,103, T>C. VCF-style: chr7-116775103-T-C. GRCh37 (hg19) VCF-style: chr7-116415157-T-C.
Other names: c.3305T>C, p.Ile1102Thr (NM_001127500.3); c.1961T>C, p.Ile654Thr (NM_001324402.2); short protein forms I1084T, I654T, I1102T.
Identifiers: ClinVar variation 1730023 (VCV001730023.3), dbSNP rs2117032376, ClinGen allele CA368988843.

ClinVar aggregate classification (germline): Uncertain significance (1 of 4 stars; one submission).

Conditions:
Hereditary cancer-predisposing syndrome. Also called: Neoplastic Syndromes, Hereditary; Tumor predisposition; Hereditary Cancer Syndrome; Hereditary neoplastic syndrome. Identifiers: Orphanet 140162, MedGen C0027672, MeSH D009386, MONDO:0015356.

Submission:

Ambry Genetics
Classification: Uncertain significance for Hereditary cancer-predisposing syndrome. Last evaluated: 2025-07-25. Review status: criteria provided, single submitter. Criteria: Ambry Variant Classification Scheme 2023. Collection method: clinical testing. Allele origin: germline.
Comment: The p.I1102T variant (also known as c.3305T>C), located in coding exon 14 of the MET gene, results from a T to C substitution at nucleotide position 3305. The isoleucine at codon 1102 is replaced by threonine, an amino acid with similar properties. This variant was reported in an individual with bilateral papillary renal cell carcinoma (Sebai M et al. Hum Mutat, 2022 Mar;43:316-327). This amino acid position is highly conserved in available vertebrate species. In addition, this alteration is predicted to be deleterious by in silico analysis. Based on the available evidence, the clinical significance of this variant remains unclear.

Literature cited by the submitters: PubMed 34882875.